The following is an entry in ClinVar:

NM_017547.4(FOXRED1):c.1190C>G (p.Ala397Gly)

Gene: FOXRED1 (FAD dependent oxidoreductase domain containing 1; plus strand). Cytogenetic location: 11q24.2.
Variant type: single nucleotide variant.
Coding change: c.1190C>G on transcript NM_017547.4 (MANE Select); coding-DNA position 1190, C replaced by G.
Protein change: p.Ala397Gly; replaces alanine 397 with glycine.
Molecular consequence: missense variant. On other transcripts: non-coding transcript variant (2).
Genome position (GRCh38, 1-based): chr11:126,277,159, C>G. VCF-style: chr11-126277159-C-G. GRCh37 (hg19) VCF-style: chr11-126147054-C-G.
Other names: p.A397G:GCT>GGT; short protein forms A397G.
Identifiers: ClinVar variation 214452 (VCV000214452.10), dbSNP rs201727988, ClinGen allele CA320633.

ClinVar aggregate classification (germline): Uncertain significance. Review status: criteria provided, multiple submitters, no conflicts (2 of 4 stars). 3 submissions from 3 submitters: Uncertain significance (3). Last evaluated 2024-12-22.

Conditions:
Leigh syndrome (NULS). Also called: Subacute necrotizing encephalopathy; Necrotizing encephalopathy infantile subacute of Leigh; Leigh's syndrome; Leigh Disease; LEIGH SYNDROME, NUCLEAR; Leigh's necrotizing encephalopathy. Identifiers: Orphanet 506, MedGen C2931891, MONDO:0009723, OMIM 256000.

Allele frequency attached by ClinVar (database versions not stated): ExAC 0.00002; gnomAD exomes 0.00004.
gnomAD v4.1: 29 of 1,604,458 alleles (0.0018%); highest among the groups gnomAD compares: Non-Finnish European, 0.00043%; no homozygotes.

Submissions (3):

GeneDx
Classification: Uncertain significance. Last evaluated: 2024-12-22. Review status: criteria provided, single submitter. Criteria: GeneDx Variant Classification Process June 2021. Collection method: clinical testing. Allele origin: germline. Affected: yes.
Comment: In silico analysis supports that this missense variant has a deleterious effect on protein structure/function; Has not been previously published in an individual with FOXRED1-related disease as pathogenic or benign to our knowledge; This variant is associated with the following publications: (PMID: 30531895)

Labcorp Genetics (formerly Invitae), Labcorp
Classification: Uncertain significance. Last evaluated: 2021-12-02. Review status: criteria provided, single submitter. Criteria: Invitae Variant Classification Sherloc (09022015). Collection method: clinical testing. Allele origin: germline.
Comment: This sequence change replaces alanine, which is neutral and non-polar, with glycine, which is neutral and non-polar, at codon 397 of the FOXRED1 protein (p.Ala397Gly). This variant is present in population databases (rs201727988, gnomAD 0.07%). This variant has not been reported in the literature in individuals affected with FOXRED1-related conditions. ClinVar contains an entry for this variant (Variation ID: 214452). Advanced modeling of protein sequence and biophysical properties (such as structural, functional, and spatial information, amino acid conservation, physicochemical variation, residue mobility, and thermodynamic stability) performed at Invitae indicates that this missense variant is not expected to disrupt FOXRED1 protein function. Algorithms developed to predict the effect of sequence changes on RNA splicing suggest that this variant may create or strengthen a splice site. In summary, the available evidence is currently insufficient to determine the role of this variant in disease. Therefore, it has been classified as a Variant of Uncertain Significance.

Mendelics
Classification: Uncertain significance for Leigh syndrome. Last evaluated: 2019-05-28. Review status: criteria provided, single submitter. Criteria: Mendelics Assertion Criteria 2017. Collection method: clinical testing. Allele origin: unknown.